The following is an entry in ClinVar:

NM_020693.4(DSCAML1):c.5123C>T (p.Thr1708Ile)

Gene: DSCAML1 (DS cell adhesion molecule like 1; minus strand). Cytogenetic location: 11q23.3.
Variant type: single nucleotide variant.
Coding change: c.5123C>T on transcript NM_020693.4 (MANE Select); coding-DNA position 5123, C replaced by T.
Protein change: p.Thr1708Ile; replaces threonine 1708 with isoleucine.
Molecular consequence: missense variant.
Genome position (GRCh38, 1-based): chr11:117,432,408, G>A on the plus strand (C>T on the coding strand, the complement: DSCAML1 is on the minus strand). VCF-style: chr11-117432408-G-A. GRCh37 (hg19) VCF-style: chr11-117303124-G-A.
Other names: short protein forms T1708I.
Identifiers: ClinVar variation 2094787 (VCV002094787.4), dbSNP rs754791160, ClinGen allele CA6296160.

ClinVar aggregate classification (germline): Uncertain significance (1 of 4 stars; one submission).

Allele frequency attached by ClinVar (database versions not stated): gnomAD 0.00001; ExAC 0.00002; gnomAD exomes 0.00002; TOPMed 0.00002.
gnomAD v4.1: 32 of 1,614,080 alleles (0.002%); highest among the groups gnomAD compares: Non-Finnish European, 0.0027%; no homozygotes.

Submission:

Labcorp Genetics (formerly Invitae), Labcorp
Classification: Uncertain significance. Last evaluated: 2024-02-15. Review status: criteria provided, single submitter. Criteria: Invitae Variant Classification Sherloc (09022015). Collection method: clinical testing. Allele origin: germline.
Comment: This sequence change replaces threonine, which is neutral and polar, with isoleucine, which is neutral and non-polar, at codon 1768 of the DSCAML1 protein (p.Thr1768Ile). This variant is present in population databases (rs754791160, gnomAD 0.003%). This variant has not been reported in the literature in individuals affected with DSCAML1-related conditions. ClinVar contains an entry for this variant (Variation ID: 2094787). An algorithm developed to predict the effect of missense changes on protein structure and function (PolyPhen-2) suggests that this variant is likely to be tolerated. In summary, the available evidence is currently insufficient to determine the role of this variant in disease. Therefore, it has been classified as a Variant of Uncertain Significance.